The following is an entry in ClinVar:

NM_024642.5(GALNT12):c.67G>A (p.Val23Met)

Genes: GALNT12 (polypeptide N-acetylgalactosaminyltransferase 12; plus strand), LOC130002222 (ATAC-STARR-seq lymphoblastoid silent region 20123; plus strand). Cytogenetic location: 9q22.33.
Variant type: single nucleotide variant.
Coding change: c.67G>A on transcript NM_024642.5 (MANE Select); coding-DNA position 67, G replaced by A.
Protein change: p.Val23Met; replaces valine 23 with methionine.
Molecular consequence: missense variant.
Genome position (GRCh38, 1-based): chr9:98,807,765, G>A. VCF-style: chr9-98807765-G-A. GRCh37 (hg19) VCF-style: chr9-101570047-G-A.
Other names: short protein forms V23M.
Identifiers: ClinVar variation 2447047 (VCV002447047.3), dbSNP rs2490454875, ClinGen allele CA374222172.

ClinVar aggregate classification (germline): Uncertain significance. Review status: criteria provided, multiple submitters, no conflicts (2 of 4 stars). 2 submissions from 2 submitters: Uncertain significance (2). Last evaluated 2023-11-06.

Conditions:
Colorectal cancer, susceptibility to, 1. Also called: COLORECTAL ADENOMA AND CANCER, SUSCEPTIBILITY TO; COLORECTAL CANCER, SUSCEPTIBILITY TO, ON CHROMOSOME 9. Identifiers: MedGen C1837315, MONDO:0012132, OMIM 608812.

Submissions (2):

Baylor Genetics
Classification: Uncertain significance for Colorectal cancer, susceptibility to, 1. Last evaluated: 2023-11-06. Review status: criteria provided, single submitter. Criteria: ACMG Guidelines, 2015. Collection method: clinical testing. Allele origin: unknown.

Ambry Genetics
Classification: Uncertain significance. Last evaluated: 2023-03-08. Review status: criteria provided, single submitter. Criteria: Ambry Variant Classification Scheme 2023. Collection method: clinical testing. Allele origin: germline.
Comment: The p.V23M variant (also known as c.67G>A), located in coding exon 1 of the GALNT12 gene, results from a G to A substitution at nucleotide position 67. The valine at codon 23 is replaced by methionine, an amino acid with highly similar properties. This amino acid position is conserved. In addition, this alteration is predicted to be tolerated by in silico analysis. Since supporting evidence is limited at this time, the clinical significance of this alteration remains unclear.